The following is an entry in ClinVar:

ClinVar aggregate classification (germline): Likely benign. Review status: criteria provided, single submitter (1 of 4 stars). 2 submissions from 2 submitters: Likely benign (1). 1 of the submissions does not count toward it. Last evaluated 2023-12-27.

Conditions:
LYST-related disorder. Also called: LYST-related condition.

Allele frequency attached by ClinVar (database versions not stated): gnomAD 0.00001.
gnomAD v4.1: 7 of 1,613,292 alleles (0.00043%); highest among the groups gnomAD compares: Non-Finnish European, 0.00051%; no homozygotes.

Submissions (2):

Blueprint Genetics
Classification: Likely benign. Last evaluated: 2023-12-27. Review status: criteria provided, single submitter. Criteria: ACMG Guidelines, 2015. Collection method: clinical testing. Allele origin: germline.

PreventionGenetics, part of Exact Sciences
Classification: Likely benign for LYST-related condition. Last evaluated: 2021-03-04. Review status: no assertion criteria provided. Collection method: clinical testing. Allele origin: germline. Not counted in ClinVar's aggregate classification.
Comment: This variant is classified as likely benign based on ACMG/AMP sequence variant interpretation guidelines (Richards et al. 2015 PMID: 25741868, with internal and published modifications).

NM_000081.4(LYST):c.5973A>G (p.Ser1991=)

Gene: LYST (lysosomal trafficking regulator; minus strand). Cytogenetic location: 1q42.3.
Variant type: single nucleotide variant.
Coding change: c.5973A>G on transcript NM_000081.4 (MANE Select); coding-DNA position 5973, A replaced by G.
Protein change: p.Ser1991=; no amino-acid change (serine 1991 retained).
Molecular consequence: synonymous variant.
Genome position (GRCh38, 1-based): chr1:235,766,227, T>C on the plus strand (A>G on the coding strand, the complement: LYST is on the minus strand). VCF-style: chr1-235766227-T-C. GRCh37 (hg19) VCF-style: chr1-235929527-T-C.
Other names: c.5973A>G, p.Ser1991= (NM_001301365.1).
Identifiers: ClinVar variation 3030218 (VCV003030218.3), dbSNP rs1166335194, ClinGen allele CA423776027.